The following is an entry in ClinVar:

ClinVar aggregate classification (germline): Uncertain significance. Review status: criteria provided, multiple submitters, no conflicts (2 of 4 stars). 2 submissions from 2 submitters: Uncertain significance (2). Last evaluated 2025-08-01.

Conditions:
Inborn genetic diseases. Identifiers: MedGen C0950123, MeSH D030342.

Allele frequency attached by ClinVar (database versions not stated): ExAC 0.00004; gnomAD 0.00003; gnomAD exomes 0.00005 and 0.00004; ESP Exome Variant Server 0.00016; TOPMed 0.00005.
gnomAD v4.1: 75 of 1,613,632 alleles (0.0046%); highest among the groups gnomAD compares: Non-Finnish European, 0.0057%; no homozygotes.

Submissions (2):

Ambry Genetics
Classification: Uncertain significance for Inborn genetic diseases. Last evaluated: 2025-08-01. Review status: criteria provided, single submitter. Criteria: Ambry Variant Classification Scheme 2023. Collection method: clinical testing. Allele origin: germline.

GeneDx
Classification: Uncertain significance. Last evaluated: 2021-11-03. Review status: criteria provided, single submitter. Criteria: GeneDx Variant Classification Process June 2021. Collection method: clinical testing. Allele origin: germline. Affected: yes.
Comment: Has not been previously published as pathogenic or benign to our knowledge; Not observed at significant frequency in large population cohorts (Lek et al., 2016); In silico analysis supports that this missense variant does not alter protein structure/function

NM_003573.2(LTBP4):c.163C>T (p.Pro55Ser)

Gene: LTBP4 (latent transforming growth factor beta binding protein 4; plus strand). Cytogenetic location: 19q13.2.
Variant type: single nucleotide variant.
Coding change: c.163C>T on transcript NM_003573.2; coding-DNA position 163, C replaced by T.
Protein change: p.Pro55Ser; replaces proline 55 with serine.
Molecular consequence: missense variant.
Genome position (GRCh38, 1-based): chr19:40,599,489, C>T. VCF-style: chr19-40599489-C-T. GRCh37 (hg19) VCF-style: chr19-41105395-C-T.
Other names: c.274C>T, p.Pro92Ser (NM_001042544.1); short protein forms P55S, P92S.
Identifiers: ClinVar variation 1194888 (VCV001194888.7), dbSNP rs201169987, ClinGen allele CA9447949.